The following is an entry in ClinVar:

NM_005334.3(HCFC1):c.5825C>A (p.Thr1942Asn)

Gene: HCFC1 (host cell factor C1; minus strand). Cytogenetic location: Xq28.
Variant type: single nucleotide variant.
Coding change: c.5825C>A on transcript NM_005334.3 (MANE Select); coding-DNA position 5825, C replaced by A.
Protein change: p.Thr1942Asn; replaces threonine 1942 with asparagine.
Molecular consequence: missense variant.
Genome position (GRCh38, 1-based): chrX:153,950,422, G>T on the plus strand (C>A on the coding strand, the complement: HCFC1 is on the minus strand). VCF-style: chrX-153950422-G-T. GRCh37 (hg19) VCF-style: chrX-153215873-G-T.
Other names: c.5960C>A, p.Thr1987Asn (NM_001410705.1); c.5966C>A, p.Thr1989Asn (NM_001440843.1); c.5957C>A, p.Thr1986Asn (NM_001440844.1, NM_001440845.1); c.5954C>A, p.Thr1985Asn (NM_001440846.1); c.5837C>A, p.Thr1946Asn (NM_001440847.1); c.5834C>A, p.Thr1945Asn (NM_001440848.1); c.5828C>A, p.Thr1943Asn (NM_001440849.1); c.5759C>A, p.Thr1920Asn (NM_001440850.1); and 1 more; short protein forms T1943N, T1945N, T1985N, T1920N, T1946N, T1989N, T1986N, T1876N.
Identifiers: ClinVar variation 4748882 (VCV004748882.1).

ClinVar aggregate classification (germline): Uncertain significance (1 of 4 stars; one submission).

Conditions:
Methylmalonic acidemia with homocystinuria, type cblX (MAHCX). Also called: INTELLECTUAL DEVELOPMENTAL DISORDER, X-LINKED 3. Identifiers: Orphanet 369962, MedGen C0796208, MONDO:0010657, OMIM 309541.

Submission:

Labcorp Genetics (formerly Invitae), Labcorp
Classification: Uncertain significance for Methylmalonic acidemia with homocystinuria, type cblX. Last evaluated: 2026-01-02. Review status: criteria provided, single submitter. Criteria: Invitae Variant Classification Sherloc (09022015). Collection method: clinical testing. Allele origin: germline.
Comment: This sequence change replaces threonine, which is neutral and polar, with asparagine, which is neutral and polar, at codon 1942 of the HCFC1 protein (p.Thr1942Asn). This variant is not present in population databases (gnomAD no frequency). This variant has not been reported in the literature in individuals affected with HCFC1-related conditions. Invitae Evidence Modeling of protein sequence and biophysical properties (such as structural, functional, and spatial information, amino acid conservation, physicochemical variation, residue mobility, and thermodynamic stability) indicates that this missense variant is not expected to disrupt HCFC1 protein function with a negative predictive value of 80%. In summary, the available evidence is currently insufficient to determine the role of this variant in disease. Therefore, it has been classified as a Variant of Uncertain Significance.